The following is an entry in ClinVar:

ClinVar aggregate classification (germline): Uncertain significance. Review status: criteria provided, multiple submitters, no conflicts (2 of 4 stars). 2 submissions from 2 submitters: Uncertain significance (2). Last evaluated 2022-10-24.

Allele frequency attached by ClinVar (database versions not stated): ExAC 0.00001.
gnomAD v4.1: 3 of 1,613,040 alleles (0.00019%); highest among the groups gnomAD compares: Non-Finnish European, 0.00017%; no homozygotes.

Submissions (2):

Labcorp Genetics (formerly Invitae), Labcorp
Classification: Uncertain significance. Last evaluated: 2022-10-24. Review status: criteria provided, single submitter. Criteria: Invitae Variant Classification Sherloc (09022015). Collection method: clinical testing. Allele origin: germline.
Comment: This sequence change falls in intron 15 of the POLR3A gene. It does not directly change the encoded amino acid sequence of the POLR3A protein. It affects a nucleotide within the consensus splice site. This variant is present in population databases (rs770073339, gnomAD 0.0009%). This variant has not been reported in the literature in individuals affected with POLR3A-related conditions. Variants that disrupt the consensus splice site are a relatively common cause of aberrant splicing (PMID: 17576681, 9536098). Algorithms developed to predict the effect of sequence changes on RNA splicing suggest that this variant is not likely to affect RNA splicing. In summary, the available evidence is currently insufficient to determine the role of this variant in disease. Therefore, it has been classified as a Variant of Uncertain Significance.

Blueprint Genetics
Classification: Uncertain significance. Last evaluated: 2021-08-06. Review status: criteria provided, single submitter. Criteria: ACMG Guidelines, 2015. Collection method: clinical testing. Allele origin: germline.

Literature cited by the submitters: PubMed 17576681 (cited by Labcorp Genetics (formerly Invitae), Labcorp); PubMed 9536098 (cited by Labcorp Genetics (formerly Invitae), Labcorp).

NM_007055.4(POLR3A):c.2074+3A>G

Gene: POLR3A (RNA polymerase III subunit A; minus strand). Cytogenetic location: 10q22.3.
Variant type: single nucleotide variant.
Coding change: c.2074+3A>G on transcript NM_007055.4 (MANE Select); 3 bases into the intron after coding-DNA position 2074, A replaced by G.
Molecular consequence: intron variant.
Genome position (GRCh38, 1-based): chr10:78,007,699, T>C on the plus strand (A>G on the coding strand, the complement: POLR3A is on the minus strand). VCF-style: chr10-78007699-T-C. GRCh37 (hg19) VCF-style: chr10-79767457-T-C.
Identifiers: ClinVar variation 1967477 (VCV001967477.3), dbSNP rs770073339, ClinGen allele CA5571237.